The following is an entry in ClinVar:

NM_024577.4(SH3TC2):c.3466A>G (p.Ser1156Gly)

Gene: SH3TC2 (SH3 domain and tetratricopeptide repeats 2; minus strand). Cytogenetic location: 5q32.
Variant type: single nucleotide variant.
Coding change: c.3466A>G on transcript NM_024577.4 (MANE Select); coding-DNA position 3466, A replaced by G.
Protein change: p.Ser1156Gly; replaces serine 1156 with glycine.
Molecular consequence: missense variant.
Genome position (GRCh38, 1-based): chr5:149,008,863, T>C on the plus strand (A>G on the coding strand, the complement: SH3TC2 is on the minus strand). VCF-style: chr5-149008863-T-C. GRCh37 (hg19) VCF-style: chr5-148388426-T-C.
Other names: short protein forms S1156G.
Identifiers: ClinVar variation 1304823 (VCV001304823.3), dbSNP rs1320597279, ClinGen allele CA361664471.

ClinVar aggregate classification (germline): Uncertain significance. Review status: criteria provided, multiple submitters, no conflicts (2 of 4 stars). 2 submissions from 2 submitters: Uncertain significance (2). Last evaluated 2024-12-03.

Conditions:
Inborn genetic diseases. Identifiers: MedGen C0950123, MeSH D030342.

Allele frequency attached by ClinVar (database versions not stated): TOPMed 0.00001.
gnomAD v4.1: 2 of 1,614,192 alleles (0.00012%); highest among the groups gnomAD compares: Admixed American, 0.0017%; no homozygotes.

Submissions (2):

Ambry Genetics
Classification: Uncertain significance for Inborn genetic diseases. Last evaluated: 2024-12-03. Review status: criteria provided, single submitter. Criteria: Ambry Variant Classification Scheme 2023. Collection method: clinical testing. Allele origin: germline.

GeneDx
Classification: Uncertain significance. Last evaluated: 2019-07-18. Review status: criteria provided, single submitter. Criteria: GeneDx Variant Classification Process June 2021. Collection method: clinical testing. Allele origin: germline. Affected: yes.
Comment: Not observed in large population cohorts (Lek et al., 2016); In silico analysis, which includes protein predictors and evolutionary conservation, supports a deleterious effect; Has not been previously published as pathogenic or benign to our knowledge